The following is an entry in ClinVar:

ClinVar aggregate classification (germline): Pathogenic. Review status: reviewed by expert panel (3 of 4 stars). 5 submissions from 4 submitters: Pathogenic (1). 4 of the submissions do not count toward it. Last evaluated 2025-09-07.

Conditions:
Primary ciliary dyskinesia. Also called: Ciliary dyskinesia. Identifiers: Orphanet 244, MedGen C0008780, MONDO:0016575, HP:0012265.
Retinitis pigmentosa 3. Also called: CHOROIDORETINAL DEGENERATION WITH RETINAL REFLEX IN HETEROZYGOUS WOMEN. Identifiers: Orphanet 791, MedGen C1845667, MONDO:0010227, OMIM 300029.
RPGR-related retinopathy. Also called: RPGR retinopathy. Identifiers: MedGen CN305589, MONDO:0100437.
Retinal dystrophy. Also called: Inherited retinal dystrophy. Identifiers: Orphanet 71862, MedGen C0854723, MeSH D058499, MONDO:0019118, HP:0000556.

Submissions (5):

ClinGen X-linked Inherited Retinal Disease Variant Curation Expert Panel, ClinGen
Classification: Pathogenic for RPGR-related retinopathy. Last evaluated: 2025-09-07. Review status: reviewed by expert panel. Criteria: ClinGen X LinkedIRD ACMG Specifications RPGR V1.0.0. Collection method: curation. Allele origin: germline. Inheritance: X-linked inheritance.
Comment: NM_001034853.2(RPGR):c.2340del (p.Ala781ArgfsTer?) is a frameshift variant due to a 1-nucleotide deletion introducing a premature stop codon after 34 amino acids within exon 15 of 15, which is predicted to disrupt a critical C-terminal region required for proper glutamylation of RPGR (PVS1, PMID: 36445968). This variant is absent from gnomAD v4.1.0 (PM2_Supporting). This variant has been reported in at least 4 apparently unrelated probands (PMID: 14564670, PMID: 34985506, PMID: 23372056, PMID: 31953110, PMID: 21857984). However, the number of individuals meeting one of the PS4 requirements of some functional vision impairment in affected males by age 30 years and/or decreased or absent electroretinogram responses was fewer than the requirement of at least 2 unrelated probands, so PS4_Supporting was not met. The variant has been reported to segregate through at least 3 meioses in one family (PP1_moderate; PMID: 21857984). In summary, this variant is classified as pathogenic for RPGR-related retinopathy based on the ClinGen X-linked Inherited Retinal Disease Expert Panel Specifications to the ACMG/AMP Variant Interpretation Guidelines for RPGR Version 1.0.0; PVS1, PM2_Supporting, and PP1_Moderate.

Labcorp Genetics (formerly Invitae), Labcorp
Classification: Pathogenic for Primary ciliary dyskinesia. Last evaluated: 2025-03-10. Review status: criteria provided, single submitter. Criteria: Invitae Variant Classification Sherloc (09022015). Collection method: clinical testing. Allele origin: germline. Not counted in ClinVar's aggregate classification.
Comment: This sequence change creates a premature translational stop signal (p.Ala781Argfs*34) in the RPGR (ORF15) gene. While this is not anticipated to result in nonsense mediated decay, it is expected to disrupt the last 372 amino acid(s) of the RPGR (ORF15) protein. This variant is not present in population databases (gnomAD no frequency). This premature translational stop signal has been observed in individual(s) with retinitis pigmentosa (PMID: 14564670, 31953110). This variant is also known as g.ORF15+587del, p.ORF15+Ala196Argfs*34. ClinVar contains an entry for this variant (Variation ID: 865990). This variant disrupts a region of the RPGR (ORF15) protein in which other variant(s) (p.Leu1130Lysfs*13) have been determined to be pathogenic (PMID: 22264887). This suggests that this is a clinically significant region of the protein, and that variants that disrupt it are likely to be disease-causing. For these reasons, this variant has been classified as Pathogenic.

Blueprint Genetics
Classification: Pathogenic for Retinal dystrophy. Last evaluated: 2019-08-02. Review status: criteria provided, single submitter. Criteria: Blueprint Genetics Variant Classification Scheme. Collection method: clinical testing. Allele origin: germline. Affected: yes. Not counted in ClinVar's aggregate classification.

PreventionGenetics, part of Exact Sciences
Classification: Pathogenic. Last evaluated: 2016-07-11. Review status: criteria provided, single submitter. Criteria: ACMG Guidelines, 2015. Collection method: clinical testing. Allele origin: germline. Not counted in ClinVar's aggregate classification.

Blueprint Genetics
Classification: Pathogenic for Retinitis pigmentosa 3. Review status: no assertion criteria provided. Collection method: clinical testing. Allele origin: germline. Affected: yes. Not counted in ClinVar's aggregate classification.

Literature cited by the submitters: PubMed 14564670 (cited by Labcorp Genetics (formerly Invitae), Labcorp); PubMed 31953110 (cited by Labcorp Genetics (formerly Invitae), Labcorp); PubMed 22264887 (cited by Labcorp Genetics (formerly Invitae), Labcorp).

NM_001034853.2(RPGR):c.2340del (p.Ala781fs)

Gene: RPGR (retinitis pigmentosa GTPase regulator; minus strand). Cytogenetic location: Xp11.4.
Variant type: Deletion.
Coding change: c.2340del on transcript NM_001034853.2 (MANE Select); coding-DNA position 2340, one base deleted (A; older notation c.2340delA).
Protein change: p.Ala781fs; shifts the reading frame from alanine 781.
Molecular consequence: frameshift variant. On other transcripts: intron variant (8).
Genome position (GRCh38, 1-based): chrX:38,286,659, T deleted on the plus strand (A on the coding strand, the reverse complement: RPGR is on the minus strand). VCF-style (leftmost placement, unchanged base first): chrX-38286658-CT-C. GRCh37 (hg19) VCF-style: chrX-38145911-CT-C.
Other names: NM_001034853.2(RPGR):c.2340del; p.Ala781fs; c.1569+4300del (NM_001367249.1, NM_001367250.1); c.1902+435del (NM_001367245.1); c.1386+4300del (NM_001367251.1); c.1719+435del (NM_001367246.1); c.1572+4300del (NM_001367247.1); c.1905+435del (NM_000328.3); and 1 more; short protein forms A781fs.
Identifiers: ClinVar variation 865990 (VCV000865990.6), dbSNP rs2067185564, ClinGen allele CA916083903.
Genomic context (GRCh38, chrX:38,286,658, plus strand): 5'-TTTCCTCCTCTTCCCCCTCTCCTTGGTCTCCTTCTTCCTCTCCTTTCTCCTCCTTCCCCG[CT>C]CTTTCCTCCTTTTTCCTCTCTCCTTCCTCCTTTTCACGTTCTCCCTCCACTTCTTCCCCT-3'